The following is an entry in ClinVar:

NM_004085.4(TIMM8A):c.73del (p.Glu24_Val25insTer)

Gene: TIMM8A (translocase of inner mitochondrial membrane 8A; minus strand). Cytogenetic location: Xq22.1.
Variant type: Deletion.
Coding change: c.73del on transcript NM_004085.4 (MANE Select); coding-DNA position 73, one base deleted (G; older notation c.73delG).
Protein change: p.Glu24_Val25insTer.
Molecular consequence: nonsense.
Genome position (GRCh38, 1-based): chrX:101,348,592, C deleted on the plus strand (G on the coding strand, the reverse complement: TIMM8A is on the minus strand); the first of 2 consecutive C bases (chrX:101,348,592-101,348,593); deleting either gives the same sequence. VCF-style (leftmost placement, unchanged base first): chrX-101348591-AC-A. GRCh37 (hg19) VCF-style: chrX-100603579-AC-A.
Other names: c.73del, p.Glu24_Val25insTer (NM_001145951.2).
Identifiers: ClinVar variation 11322 (VCV000011322.4), dbSNP rs869320665, ClinGen allele CA358814.
Genomic context (GRCh38, chrX:101,348,591, plus strand): 5'-ACCCAACAAAGTTCAGTCATCTGGTGCACCAGCTGCTGGAAGCGCTGCTTTTGAGTCTCT[AC>A]CTCGATGAAATGCTGCAACTGCGGGTCCACTGCACCCAAACCCGCCGCGGAGGAAGAGGA-3'

ClinVar aggregate classification (germline): Pathogenic. Review status: criteria provided, single submitter (1 of 4 stars). 2 submissions from 2 submitters: Pathogenic (1). 1 of the submissions does not count toward it. Last evaluated 2023-04-12.

Conditions:
Deafness dystonia syndrome (MTS). Also called: DYSTONIA-DEAFNESS SYNDROME, X-LINKED; Opticoacustic nerve atrophy with dementia; Nerve deafness optic nerve atrophy, and dementia; Syndrome of opticoacoustic nerve atrophy with dementia; DEAFNESS SYNDROME, PROGRESSIVE, WITH BLINDNESS, DYSTONIA, FRACTURES, AND MENTAL DEFICIENCY; DEAFNESS-DYSTONIA-OPTIC ATROPHY SYNDROME. Identifiers: Orphanet 52368, MedGen C0796074, MONDO:0010578, OMIM 304700.

Submissions (2):

Labcorp Genetics (formerly Invitae), Labcorp
Classification: Pathogenic. Last evaluated: 2023-04-12. Review status: criteria provided, single submitter. Criteria: Invitae Variant Classification Sherloc (09022015). Collection method: clinical testing. Allele origin: germline.
Comment: This premature translational stop signal has been observed in individual(s) with Mohr-Tranebjaerg syndrome (PMID: 11601506). This sequence change creates a premature translational stop signal (p.Val25*) in the TIMM8A gene. It is expected to result in an absent or disrupted protein product. Loss-of-function variants in TIMM8A are known to be pathogenic (PMID: 11956200, 21984432, 22736418). This variant is not present in population databases (gnomAD no frequency). This variant is also known as 108delG. ClinVar contains an entry for this variant (Variation ID: 11322). Algorithms developed to predict the effect of sequence changes on RNA splicing suggest that this variant may disrupt the consensus splice site. For these reasons, this variant has been classified as Pathogenic.

OMIM
Classification: Pathogenic for MOHR-TRANEBJAERG SYNDROME. Last evaluated: 2001-10-01. Review status: no assertion criteria provided. Collection method: literature only. Allele origin: germline. Not counted in ClinVar's aggregate classification.

Literature cited by the submitters: PubMed 11601506 (cited by Labcorp Genetics (formerly Invitae), Labcorp and OMIM); PubMed 11956200 (cited by Labcorp Genetics (formerly Invitae), Labcorp); PubMed 21984432 (cited by Labcorp Genetics (formerly Invitae), Labcorp); PubMed 22736418 (cited by Labcorp Genetics (formerly Invitae), Labcorp).